The following is an entry in ClinVar:

ClinVar aggregate classification (germline): Uncertain significance (1 of 4 stars; one submission).

Submission:

Labcorp Genetics (formerly Invitae), Labcorp
Classification: Uncertain significance. Last evaluated: 2025-09-07. Review status: criteria provided, single submitter. Criteria: Invitae Variant Classification Sherloc (09022015). Collection method: clinical testing. Allele origin: germline.
Comment: This sequence change replaces isoleucine, which is neutral and non-polar, with valine, which is neutral and non-polar, at codon 460 of the ATP1A1 protein (p.Ile460Val). This variant is not present in population databases (gnomAD no frequency). This variant has not been reported in the literature in individuals affected with ATP1A1-related conditions. ClinVar contains an entry for this variant (Variation ID: 3676949). Invitae Evidence Modeling of protein sequence and biophysical properties (such as structural, functional, and spatial information, amino acid conservation, physicochemical variation, residue mobility, and thermodynamic stability) indicates that this missense variant is not expected to disrupt ATP1A1 protein function with a negative predictive value of 95%. In summary, the available evidence is currently insufficient to determine the role of this variant in disease. Therefore, it has been classified as a Variant of Uncertain Significance.

NM_000701.8(ATP1A1):c.1378A>G (p.Ile460Val)

Genes: ATP1A1 (ATPase Na+/K+ transporting subunit alpha 1; plus strand), ATP1A1-AS1 (ATP1A1 antisense RNA 1; minus strand). Cytogenetic location: 1p13.1.
Variant type: single nucleotide variant.
Coding change: c.1378A>G on transcript NM_000701.8 (MANE Select); coding-DNA position 1378, A replaced by G.
Protein change: p.Ile460Val; replaces isoleucine 460 with valine.
Molecular consequence: missense variant. On other transcripts: non-coding transcript variant (1).
Genome position (GRCh38, 1-based): chr1:116,392,899, A>G. VCF-style: chr1-116392899-A-G. GRCh37 (hg19) VCF-style: chr1-116935521-A-G.
Other names: c.1378A>G, p.Ile460Val (NM_001160233.2); c.1285A>G, p.Ile429Val (NM_001160234.2); short protein forms I429V, I460V.
Identifiers: ClinVar variation 3676949 (VCV003676949.2).